The following is an entry in ClinVar:

NM_005879.3(TRAIP):c.1292A>G (p.Asp431Gly)

Gene: TRAIP (TRAF interacting protein; minus strand). Cytogenetic location: 3p21.31.
Variant type: single nucleotide variant.
Coding change: c.1292A>G on transcript NM_005879.3 (MANE Select); coding-DNA position 1292, A replaced by G.
Protein change: p.Asp431Gly; replaces aspartic acid 431 with glycine.
Molecular consequence: missense variant.
Genome position (GRCh38, 1-based): chr3:49,829,221, T>C on the plus strand (A>G on the coding strand, the complement: TRAIP is on the minus strand). VCF-style: chr3-49829221-T-C. GRCh37 (hg19) VCF-style: chr3-49866654-T-C.
Other names: c.1292A>G (NM_005879.2); short protein forms D431G.
Identifiers: ClinVar variation 2054623 (VCV002054623.2), dbSNP rs982881853, ClinGen allele CA74578668.
Genomic context (GRCh38, chr3:49,829,221, plus strand): 5'-CTCACCCTCTGCTTAACCTTGGTCTTGGGCTTAACAGGCAATGGGCGGATCATGACTGTG[T>C]CAGTCTGGAGGAGCTGTCAAGGAAGAGGCATGGAGAAAGGACTGCAATGCAGGGCGAGAA-3'
Protein context (NP_005870.2, residues 421-441): GGRTKFIQPT[Asp431Gly]TVMIRPLPVK

ClinVar aggregate classification (germline): Uncertain significance. Review status: criteria provided, multiple submitters, no conflicts (2 of 4 stars). 2 submissions from 2 submitters: Uncertain significance (2). Last evaluated 2025-08-30.

Conditions:
Inborn genetic diseases. Identifiers: MedGen C0950123, MeSH D030342.

Allele frequency attached by ClinVar (database versions not stated): gnomAD 0.00001; TOPMed 0.00006.
gnomAD v4.1: 8 of 1,614,068 alleles (0.0005%); highest among the groups gnomAD compares: Admixed American, 0.013%; no homozygotes.

Submissions (2):

Ambry Genetics
Classification: Uncertain significance for Inborn genetic diseases. Last evaluated: 2025-08-30. Review status: criteria provided, single submitter. Criteria: Ambry Variant Classification Scheme 2023. Collection method: clinical testing. Allele origin: germline.

Labcorp Genetics (formerly Invitae), Labcorp
Classification: Uncertain significance. Last evaluated: 2022-04-01. Review status: criteria provided, single submitter. Criteria: Invitae Variant Classification Sherloc (09022015). Collection method: clinical testing. Allele origin: germline.
Comment: This sequence change replaces aspartic acid, which is acidic and polar, with glycine, which is neutral and non-polar, at codon 431 of the TRAIP protein (p.Asp431Gly). This variant is present in population databases (no rsID available, gnomAD 0.009%). This variant has not been reported in the literature in individuals affected with TRAIP-related conditions. Algorithms developed to predict the effect of missense changes on protein structure and function (SIFT, PolyPhen-2, Align-GVGD) all suggest that this variant is likely to be tolerated. In summary, the available evidence is currently insufficient to determine the role of this variant in disease. Therefore, it has been classified as a Variant of Uncertain Significance.